The following is an entry in ClinVar:

Conditions:
Breast-ovarian cancer, familial, susceptibility to, 1 (BROVCA1). Also called: BRCA1 Hereditary Breast and Ovarian Cancer; OVARIAN CANCER, SUSCEPTIBILITY TO. Identifiers: Orphanet 145, MedGen C2676676, MONDO:0011450, OMIM 604370. Disease mechanism: loss of function.

Submission:

Brotman Baty Institute, University of Washington
No classification provided (evidence only). Condition: Breast-ovarian cancer, familial 1. Review status: no classification provided. Collection method: in vitro. Allele origin: not applicable. Functional consequence: functionally_normal.
ClinVar note: "not provided" was previously submitted as the classification for the variant. However, the classification appeared to be based only on an observation of functional data so it was converted to no classification on 2025-07-30.

NM_007294.4(BRCA1):c.-19T>C

Gene: BRCA1 (BRCA1 DNA repair associated; minus strand). Cytogenetic location: 17q21.31.
Variant type: single nucleotide variant.
Coding change: c.-19T>C on transcript NM_007294.4 (MANE Select); 19 bases upstream of the start codon, T replaced by C.
Molecular consequence: 5 prime UTR variant. On other transcripts: non-coding transcript variant (1).
Genome position (GRCh38, 1-based): chr17:43,124,115, A>G on the plus strand (T>C on the coding strand, the complement: BRCA1 is on the minus strand). VCF-style: chr17-43124115-A-G. GRCh37 (hg19) VCF-style: chr17-41276132-A-G.
Other names: c.-19T>C (NM_001407625.1, NM_001407626.1, NM_001407627.1 and 169 more transcripts); c.-276T>C (NM_001407694.1, NM_001407724.1, NM_001407727.1 and 11 more transcripts); c.-280T>C (NM_001407695.1, NM_001408465.1); c.-421T>C (NM_001407696.1); c.-305T>C (NM_001407697.1, NM_001407846.1, NM_001407920.1); c.-106T>C (NM_001407698.1, NM_001407732.1, NM_001407736.1 and 21 more transcripts); c.-279T>C (NM_001407725.1, NM_001407730.1, NM_001407734.1 and 22 more transcripts); c.-225T>C (NM_001407726.1, NM_001407751.1); and 8 more.
Identifiers: ClinVar variation 868642 (VCV000868642.3), dbSNP rs2055751504, ClinGen allele CA916081175.
Genomic context (GRCh38, chr17:43,124,115, plus strand): 5'-GACATTTTGTACTTCTTCAACGCGAAGAGCAGATAAATCCATTTCTTTCTGTTCCAATGA[A>G]CTTTAACACATTAGAAAAACATATATATATATCTTTTTAAAAGGTTTATAAAATGACAAC-3'